The following is an entry in ClinVar:

ClinVar aggregate classification (germline): Uncertain significance. Review status: criteria provided, multiple submitters, no conflicts (2 of 4 stars). 2 submissions from 2 submitters: Uncertain significance (2). Last evaluated 2022-08-03.

Conditions:
Inborn genetic diseases. Identifiers: MedGen C0950123, MeSH D030342.
Autosomal recessive limb-girdle muscular dystrophy type R18 (LGMDR18). Also called: Limb-girdle muscular dystrophy, type 2S; MUSCULAR DYSTROPHY, LIMB-GIRDLE, AUTOSOMAL RECESSIVE 18; Autosomal recessive limb-girdle muscular dystrophy type 2S. Identifiers: Orphanet 369840, MedGen C4517996, MONDO:0014144, OMIM 615356.

Allele frequency attached by ClinVar (database versions not stated): ExAC 0.00002; gnomAD exomes 0.00002; gnomAD 0.00003; TOPMed 0.00003; ESP Exome Variant Server 0.00008.
gnomAD v4.1: 39 of 1,613,000 alleles (0.0024%); highest among the groups gnomAD compares: Admixed American, 0.0084%; no homozygotes.

Submissions (2):

Labcorp Genetics (formerly Invitae), Labcorp
Classification: Uncertain significance for Autosomal recessive limb-girdle muscular dystrophy type R18. Last evaluated: 2022-08-03. Review status: criteria provided, single submitter. Criteria: Invitae Variant Classification Sherloc (09022015). Collection method: clinical testing. Allele origin: germline.
Comment: This sequence change replaces isoleucine, which is neutral and non-polar, with threonine, which is neutral and polar, at codon 306 of the TRAPPC11 protein (p.Ile306Thr). This variant is present in population databases (rs367938699, gnomAD 0.01%). This variant has not been reported in the literature in individuals affected with TRAPPC11-related conditions. Algorithms developed to predict the effect of missense changes on protein structure and function are either unavailable or do not agree on the potential impact of this missense change (SIFT: "Deleterious"; PolyPhen-2: "Benign"; Align-GVGD: "Class C15"). In summary, the available evidence is currently insufficient to determine the role of this variant in disease. Therefore, it has been classified as a Variant of Uncertain Significance.

Ambry Genetics
Classification: Uncertain significance for Inborn genetic diseases. Last evaluated: 2021-06-18. Review status: criteria provided, single submitter. Criteria: Ambry Variant Classification Scheme 2023. Collection method: clinical testing. Allele origin: germline.

NM_021942.6(TRAPPC11):c.917T>C (p.Ile306Thr)

Gene: TRAPPC11 (trafficking protein particle complex subunit 11; plus strand). Cytogenetic location: 4q35.1.
Variant type: single nucleotide variant.
Coding change: c.917T>C on transcript NM_021942.6 (MANE Select); coding-DNA position 917, T replaced by C.
Protein change: p.Ile306Thr; replaces isoleucine 306 with threonine.
Molecular consequence: missense variant.
Genome position (GRCh38, 1-based): chr4:183,679,438, T>C. VCF-style: chr4-183679438-T-C. GRCh37 (hg19) VCF-style: chr4-184600591-T-C.
Other names: c.917T>C, p.Ile306Thr (NM_199053.3); short protein forms I306T.
Identifiers: ClinVar variation 2061838 (VCV002061838.2), dbSNP rs367938699, ClinGen allele CA3151744.
Genomic context (GRCh38, chr4:183,679,438, plus strand): 5'-ACACCCCATTGGATGCAATTGCTCAGTTCCGAAAACACATCGACTTGTGTAAGAAAAAGA[T>C]TGGAAGTGCAGAGCTGTCTTTTGAGCATGATGCATGGATGTCTAAACAGTATGTTTTACA-3'
Protein context (NP_068761.4, residues 296-316): RKHIDLCKKK[Ile306Thr]GSAELSFEHD